The following is an entry in ClinVar:

NM_003114.5(SPAG1):c.1982C>T (p.Thr661Ile)

Gene: SPAG1 (sperm associated antigen 1; plus strand). Cytogenetic location: 8q22.2.
Variant type: single nucleotide variant.
Coding change: c.1982C>T on transcript NM_003114.5 (MANE Select); coding-DNA position 1982, C replaced by T.
Protein change: p.Thr661Ile; replaces threonine 661 with isoleucine.
Molecular consequence: missense variant.
Genome position (GRCh38, 1-based): chr8:100,231,282, C>T. VCF-style: chr8-100231282-C-T. GRCh37 (hg19) VCF-style: chr8-101243510-C-T.
Other names: c.1982C>T (NM_172218.2); c.1982C>T, p.Thr661Ile (NM_001374321.1, NM_172218.3); short protein forms T661I.
Identifiers: ClinVar variation 3666615 (VCV003666615.2).

ClinVar aggregate classification (germline): Uncertain significance. Review status: criteria provided, multiple submitters, no conflicts (2 of 4 stars). 2 submissions from 2 submitters: Uncertain significance (2). Last evaluated 2025-09-24.

Conditions:
Primary ciliary dyskinesia 28. Also called: CILIARY DYSKINESIA, PRIMARY, 28, WITH OR WITHOUT SITUS INVERSUS. Identifiers: Orphanet 244, MedGen C3809706, MONDO:0014216, OMIM 615505.
Primary ciliary dyskinesia. Also called: Ciliary dyskinesia. Identifiers: Orphanet 244, MedGen C0008780, MONDO:0016575, HP:0012265.

gnomAD v4.1: 5 of 1,543,790 alleles (0.00032%); highest among the groups gnomAD compares: African/African-American, 0.0027%; no homozygotes.

Submissions (2):

Ambry Genetics
Classification: Uncertain significance for Primary ciliary dyskinesia. Last evaluated: 2025-09-24. Review status: criteria provided, single submitter. Criteria: Ambry Variant Classification Scheme 2023. Collection method: clinical testing. Allele origin: germline.

Labcorp Genetics (formerly Invitae), Labcorp
Classification: Uncertain significance for Primary ciliary dyskinesia 28. Last evaluated: 2024-10-21. Review status: criteria provided, single submitter. Criteria: Invitae Variant Classification Sherloc (09022015). Collection method: clinical testing. Allele origin: germline.
Comment: This sequence change replaces threonine, which is neutral and polar, with isoleucine, which is neutral and non-polar, at codon 661 of the SPAG1 protein (p.Thr661Ile). This variant is not present in population databases (gnomAD no frequency). This variant has not been reported in the literature in individuals affected with SPAG1-related conditions. Invitae Evidence Modeling of protein sequence and biophysical properties (such as structural, functional, and spatial information, amino acid conservation, physicochemical variation, residue mobility, and thermodynamic stability) indicates that this missense variant is expected to disrupt SPAG1 protein function with a positive predictive value of 80%. In summary, the available evidence is currently insufficient to determine the role of this variant in disease. Therefore, it has been classified as a Variant of Uncertain Significance.